The following is an entry in ClinVar:

NM_000441.2(SLC26A4):c.1343C>G (p.Ser448Trp)

Gene: SLC26A4 (solute carrier family 26 member 4; plus strand). Cytogenetic location: 7q22.3.
Variant type: single nucleotide variant.
Coding change: c.1343C>G on transcript NM_000441.2 (MANE Select); coding-DNA position 1343, C replaced by G.
Protein change: p.Ser448Trp; replaces serine 448 with tryptophan.
Molecular consequence: missense variant.
Genome position (GRCh38, 1-based): chr7:107,694,622, C>G. VCF-style: chr7-107694622-C-G. GRCh37 (hg19) VCF-style: chr7-107335067-C-G.
Other names: c.1343C>G (NM_000441.1); short protein forms S448W.
Identifiers: ClinVar variation 627474 (VCV000627474.3), dbSNP rs747076316, ClinGen allele CA368840512.

ClinVar aggregate classification (germline): Likely pathogenic. Review status: criteria provided, single submitter (1 of 4 stars). 2 submissions from 2 submitters: Likely pathogenic (1). 1 of the submissions does not count toward it. Last evaluated 2025-04-10.

Conditions:
Autosomal recessive nonsyndromic hearing loss 4 (DFNB4). Also called: FOXI1-Related Pendred Syndrome; KCNJ10-Related Pendred Syndrome; NEUROSENSORY NONSYNDROMIC RECESSIVE DEAFNESS 4; DEAFNESS, AUTOSOMAL RECESSIVE 4, WITH ENLARGED VESTIBULAR AQUEDUCT, DIGENIC; Nonsyndromic enlarged vestibular aqueduct (NSEVA); Deafness, autosomal recessive 4, with enlarged vestibular aqueduct. Identifiers: Orphanet 90636, MedGen C3538946, MONDO:0010933, OMIM 600791.
Pendred syndrome (PDS). Also called: DEAFNESS WITH GOITER; Pendred Syndrome (PDS); HYPOTHYROIDISM, CONGENITAL, DUE TO DYSHORMONOGENESIS, 2B; GOITER-DEAFNESS SYNDROME; Pendred's syndrome; THYROID DYSHORMONOGENESIS 2B. Identifiers: Orphanet 705, MedGen C0271829, MONDO:0010134, OMIM 274600.

Submissions (2):

Natera, Inc.
Classification: Likely pathogenic for Pendred syndrome. Last evaluated: 2025-04-10. Review status: criteria provided, single submitter. Criteria: Natera Variant Classification Schema (03/2026). Collection method: clinical testing. Allele origin: germline.
Comment: The c.1343C>G variant in SLC26A4 is a missense variant predicted to cause substitution of serine to tryptophan at amino acid 448. This variant is rare in the general population with a frequency below the threshold expected for the associated phenotype(s). This variant has been observed in one or more individuals affected with the associated recessive disease, as either homozygous or compound heterozygous with a second variant (PMID: 31541171). A different variant at the same position has been determined to be Pathogenic or Likely Pathogenic. Computational prediction algorithms indicate this variant is likely to affect gene or protein function. Given the available evidence, this variant is classified as Likely Pathogenic.

Genetic Testing Center for Deafness, Department of Otolaryngology Head & Neck Surgery, Institute of Otolaryngology, Chinese PLA General Hospital
Classification: Likely pathogenic for Autosomal recessive nonsyndromic hearing loss 4. Last evaluated: 2019-02-26. Review status: no assertion criteria provided. Collection method: case-control. Allele origin: inherited. Affected: yes. Observed: 3 variant alleles. Clinical features observed: hearing loss. Not counted in ClinVar's aggregate classification.

Literature cited by the submitters: PubMed 31541171 (cited by Natera, Inc.).